The following is an entry in ClinVar:

NM_000292.3(PHKA2):c.1964-3C>T

Gene: PHKA2 (phosphorylase kinase regulatory subunit alpha 2; minus strand). Cytogenetic location: Xp22.13.
Variant type: single nucleotide variant.
Coding change: c.1964-3C>T on transcript NM_000292.3 (MANE Select); 3 bases into the intron before coding-DNA position 1964, C replaced by T.
Molecular consequence: intron variant.
Genome position (GRCh38, 1-based): chrX:18,918,857, G>A on the plus strand (C>T on the coding strand, the complement: PHKA2 is on the minus strand). VCF-style: chrX-18918857-G-A. GRCh37 (hg19) VCF-style: chrX-18936975-G-A.
Identifiers: ClinVar variation 966696 (VCV000966696.9), dbSNP rs1035866155, ClinGen allele CA327051842.

ClinVar aggregate classification (germline): Uncertain significance (1 of 4 stars; one submission).

Conditions:
Glycogen storage disease IXa1. Also called: GLYCOGEN STORAGE DISEASE VIII; GSD VIII; Glycogen storage disease 8; LIVER GLYCOGENOSIS, X-LINKED, TYPE I. Identifiers: Orphanet 264580, MedGen C3694531, MONDO:0010598, OMIM 306000.

Allele frequency attached by ClinVar (database versions not stated): TOPMed below 0.00001.

Submission:

Labcorp Genetics (formerly Invitae), Labcorp
Classification: Uncertain significance for Glycogen storage disease IXa1. Last evaluated: 2019-11-03. Review status: criteria provided, single submitter. Criteria: Invitae Variant Classification Sherloc (09022015). Collection method: clinical testing. Allele origin: germline.
Comment: This sequence change falls in intron 18 of the PHKA2 gene. It does not directly change the encoded amino acid sequence of the PHKA2 protein, but it affects a nucleotide within the consensus splice site of the intron. This variant is not present in population databases (ExAC no frequency). This variant has not been reported in the literature in individuals with PHKA2-related conditions. Nucleotide substitutions within the consensus splice site are a relatively common cause of aberrant splicing (PMID: 17576681, 9536098). Algorithms developed to predict the effect of sequence changes on RNA splicing suggest that this variant is not likely to affect RNA splicing, but this prediction has not been confirmed by published transcriptional studies. In summary, the available evidence is currently insufficient to determine the role of this variant in disease. Therefore, it has been classified as a Variant of Uncertain Significance.

Literature cited by the submitters: PubMed 17576681; PubMed 9536098.